The following is an entry in ClinVar:

NM_006206.6(PDGFRA):c.1808C>A (p.Ala603Glu)

Gene: PDGFRA (platelet derived growth factor receptor alpha; plus strand). Cytogenetic location: 4q12.
Variant type: single nucleotide variant.
Coding change: c.1808C>A on transcript NM_006206.6 (MANE Select); coding-DNA position 1808, C replaced by A.
Protein change: p.Ala603Glu; replaces alanine 603 with glutamic acid.
Molecular consequence: missense variant.
Genome position (GRCh38, 1-based): chr4:54,277,409, C>A. VCF-style: chr4-54277409-C-A. GRCh37 (hg19) VCF-style: chr4-55143576-C-A.
Other names: c.1808C>A, p.Ala603Glu (NM_001347827.2, NM_001347829.2); c.1883C>A, p.Ala628Glu (NM_001347828.2); c.1847C>A, p.Ala616Glu (NM_001347830.2); short protein forms A603E, A616E, A628E.
Identifiers: ClinVar variation 3225270 (VCV003225270.1), dbSNP rs1553904813, ClinGen allele CA356893369.
Genomic context (GRCh38, chr4:54,277,409, plus strand): 5'-CTGGAGTTTTTGGGTGTTAATGATTCTGCCTGCCCACAGGTCGGGTCTTGGGGTCTGGAG[C>A]GTTTGGGAAGGTGGTTGAAGGAACAGCCTATGGATTAAGCCGGTCCCAACCTGTCATGAA-3'
Protein context (NP_006197.1, residues 593-613): LVLGRVLGSG[Ala603Glu]FGKVVEGTAY

ClinVar aggregate classification (germline): Uncertain significance (1 of 4 stars; one submission).

Conditions:
Hereditary cancer-predisposing syndrome. Also called: Neoplastic Syndromes, Hereditary; Tumor predisposition; Hereditary neoplastic syndrome; Hereditary Cancer Syndrome. Identifiers: Orphanet 140162, MedGen C0027672, MeSH D009386, MONDO:0015356.

Submission:

Ambry Genetics
Classification: Uncertain significance for Hereditary cancer-predisposing syndrome. Last evaluated: 2023-10-01. Review status: criteria provided, single submitter. Criteria: Ambry Variant Classification Scheme 2023. Collection method: clinical testing. Allele origin: germline.
Comment: The p.A603E variant (also known as c.1808C>A), located in coding exon 12 of the PDGFRA gene, results from a C to A substitution at nucleotide position 1808. The alanine at codon 603 is replaced by glutamic acid, an amino acid with dissimilar properties. This amino acid position is conserved. In addition, this alteration is predicted to be deleterious by in silico analysis. Since supporting evidence is limited at this time, the clinical significance of this alteration remains unclear.